The following is an entry in ClinVar:

NM_003924.4(PHOX2B):c.466C>T (p.Gln156Ter)

Gene: PHOX2B (paired like homeobox 2B; minus strand). Cytogenetic location: 4p13.
Variant type: single nucleotide variant.
Coding change: c.466C>T on transcript NM_003924.4 (MANE Select); coding-DNA position 466, C replaced by T.
Protein change: p.Gln156Ter; replaces glutamine 156 with a stop codon.
Molecular consequence: nonsense.
Genome position (GRCh38, 1-based): chr4:41,746,286, G>A on the plus strand (C>T on the coding strand, the complement: PHOX2B is on the minus strand). VCF-style: chr4-41746286-G-A. GRCh37 (hg19) VCF-style: chr4-41748303-G-A.
Other names: short protein forms Q156*.
Identifiers: ClinVar variation 1742301 (VCV001742301.2), dbSNP rs2552096903, ClinGen allele CA356738712.

ClinVar aggregate classification (germline): Pathogenic (1 of 4 stars; one submission).

Conditions:
Hereditary cancer-predisposing syndrome. Also called: Hereditary Cancer Syndrome; Hereditary neoplastic syndrome; Neoplastic Syndromes, Hereditary; Tumor predisposition. Identifiers: Orphanet 140162, MedGen C0027672, MeSH D009386, MONDO:0015356.

Submission:

Ambry Genetics
Classification: Pathogenic for Hereditary cancer-predisposing syndrome. Last evaluated: 2019-12-09. Review status: criteria provided, single submitter. Criteria: Ambry Variant Classification Scheme 2023. Collection method: clinical testing. Allele origin: germline.
Comment: The p.Q156* pathogenic mutation (also known as c.466C>T), located in coding exon 3 of the PHOX2B gene, results from a C to T substitution at nucleotide position 466. This changes the amino acid from a glutamine to a stop codon within coding exon 3. This frameshift occurs at the 3' terminus of PHOX2B and is not expected to trigger nonsense-mediated mRNA decay, but results in the loss of the polyalanine tract of the PHOX2B protein. In addition, other variants that result in the loss of the polyalanine tract (c.722_759del38 and c.691_698dupGGCCCGGG) have been reported in individuals with congenital central hypoventilation, Hirschsprung disease, and/or neuroblastoma (Trochet D et al. Am. J. Hum. Genet., 2005 Mar;76:421-6; Raabe EH et al. Oncogene, 2008 Jan;27:469-76; Low KJ et al. Pediatr. Pulmonol., 2014 Oct;49:E140-3; Mehta VJ et al. J Neuroophthalmol, 2016 Dec;36:414-416; Byers HM et al. Am. J. Med. Genet. A, 2018 06;176:1398-1404). As such, thep.Q156* alteration is interpreted as a disease-causing mutation.